The following is an entry in ClinVar:

ClinVar aggregate classification (germline): Uncertain significance (1 of 4 stars; one submission).

Allele frequency attached by ClinVar (database versions not stated): ExAC 0.00003.

Submission:

GeneDx
Classification: Uncertain significance. Last evaluated: 2023-03-29. Review status: criteria provided, single submitter. Criteria: GeneDx Variant Classification Process June 2021. Collection method: clinical testing. Allele origin: germline. Affected: yes.
Comment: Not observed at significant frequency in large population cohorts (gnomAD); In silico analysis supports that this missense variant does not alter protein structure/function; Has not been previously published as pathogenic or benign to our knowledge

NM_213595.4(ISCU):c.81G>C (p.Glu27Asp)

Genes: ISCU (iron-sulfur cluster assembly enzyme; plus strand), LOC130008688 (ATAC-STARR-seq lymphoblastoid silent region 4828; plus strand). Cytogenetic location: 12q23.3.
Variant type: single nucleotide variant.
Coding change: c.81G>C on transcript NM_213595.4 (MANE Select); coding-DNA position 81, G replaced by C.
Protein change: p.Glu27Asp; replaces glutamic acid 27 with aspartic acid.
Molecular consequence: missense variant. On other transcripts: non-coding transcript variant (1), 5 prime UTR variant (1).
Genome position (GRCh38, 1-based): chr12:108,562,703, G>C. VCF-style: chr12-108562703-G-C. GRCh37 (hg19) VCF-style: chr12-108956479-G-C.
Other names: c.81G>C, p.Glu27Asp (NM_001301140.1, NM_001301141.1, NM_001320042.1); c.-91G>C (NM_014301.4); short protein forms E27D.
Identifiers: ClinVar variation 2582121 (VCV002582121.1), dbSNP rs770293635, ClinGen allele CA6768716.
Genomic context (GRCh38, chr12:108,562,703, plus strand): 5'-CCGTCTGAGGCGGGCGGCATCGGCTCTGCTGCTGCGGAGCCCCCGCCTGCCCGCCCGGGA[G>C]CTGTCGGCCCCGGCCCGACTCTATCACAAGAAGGTAGGGACAAAAGAGGGACGCGCGGAA-3'
Protein context (NP_998760.1, residues 17-37): LLRSPRLPAR[Glu27Asp]LSAPARLYHK